The following is an entry in ClinVar:

NM_024577.4(SH3TC2):c.416T>C (p.Leu139Pro)

Gene: SH3TC2 (SH3 domain and tetratricopeptide repeats 2; minus strand). Cytogenetic location: 5q32.
Variant type: single nucleotide variant.
Coding change: c.416T>C on transcript NM_024577.4 (MANE Select); coding-DNA position 416, T replaced by C.
Protein change: p.Leu139Pro; replaces leucine 139 with proline.
Molecular consequence: missense variant.
Genome position (GRCh38, 1-based): chr5:149,042,807, A>G on the plus strand (T>C on the coding strand, the complement: SH3TC2 is on the minus strand). VCF-style: chr5-149042807-A-G. GRCh37 (hg19) VCF-style: chr5-148422370-A-G.
Other names: short protein forms L139P.
Identifiers: ClinVar variation 3235091 (VCV003235091.3), dbSNP rs2531793055, ClinGen allele CA361676115.

ClinVar aggregate classification (germline): Likely pathogenic. Review status: criteria provided, multiple submitters, no conflicts (2 of 4 stars). 2 submissions from 2 submitters: Likely pathogenic (2). Last evaluated 2025-05-22.

Conditions:
Charcot-Marie-Tooth disease type 4C (CMT4C). Also called: CHARCOT-MARIE-TOOTH DISEASE, DEMYELINATING, AUTOSOMAL RECESSIVE, TYPE 4C; CMT 4C; Charcot-Marie-Tooth Neuropathy Type 4C (CMT4C); CHARCOT-MARIE-TOOTH DISEASE, DEMYELINATING, TYPE 4C; SH3TC2-Related Hereditary Motor and Sensory Neuropathy. Identifiers: Orphanet 99949, MedGen C1866636, MONDO:0011113, OMIM 601596.

Allele frequency attached by ClinVar (database versions not stated): gnomAD exomes below 0.00001.
gnomAD v4.1: 3 of 1,614,170 alleles (0.00019%); highest among the groups gnomAD compares: Non-Finnish European, 0.00025%; no homozygotes.

Submissions (2):

Women's Health and Genetics/Laboratory Corporation of America, LabCorp
Classification: Likely pathogenic for Charcot-Marie-Tooth disease type 4C. Last evaluated: 2025-05-22. Review status: criteria provided, single submitter. Criteria: LabCorp Variant Classification Summary - May 2015. Collection method: clinical testing. Allele origin: germline.
Comment: Variant summary: SH3TC2 c.416T>C (p.Leu139Pro) results in a non-conservative amino acid change in the encoded protein sequence. Algorithms developed to predict the effect of missense changes on protein structure and function all suggest that this variant is likely to be disruptive. The variant was absent in 251462 control chromosomes. c.416T>C has been observed in individuals affected with clinical features of Charcot-Marie-Tooth disease type 4C (Shchagina_2024). These data indicate that the variant is likely to be associated with disease. To our knowledge, no experimental evidence demonstrating an impact on protein function has been reported. The following publication has been ascertained in the context of this evaluation (PMID: 38903759). ClinVar contains an entry for this variant (Variation ID: 3235091). Based on the evidence outlined above, the variant was classified as likely pathogenic.

DNA-diagnostics Laboratory, Research Centre For Medical Genetics
Classification: Likely pathogenic for Charcot-Marie-Tooth disease type 4C. Last evaluated: 2023-10-02. Review status: criteria provided, single submitter. Criteria: ACMG Guidelines, 2015. Collection method: clinical testing. Allele origin: inherited. Inheritance: Autosomal recessive inheritance. Affected: yes. Observed: 3 variant alleles, 3 compound heterozygotes. Clinical features observed: Demyelinating peripheral neuropathy (HP:0007108).
Comment: This missense variant was not present in the population databases such as gnomAD, pathogenicity prediction programs evaluate it to be pathogenic (MetaRNN = 0.877 according to VarSome (Kopanos et al., 2019)). This novel variant was identified in two brothers with late onset and mild disease courses, it was detected in the compound heterozygous state with a well-documented pathogenic missense variant c.1972C>T (p.(Arg658Cys)), previously reported in Slavic patients (Laššuthová et al., 2011).

Literature cited by the submitters: PubMed 38903759 (cited by Women's Health and Genetics/Laboratory Corporation of America, LabCorp).